The following is an entry in ClinVar:

NM_017780.4(CHD7):c.309G>A (p.Ser103=)

Gene: CHD7 (chromodomain helicase DNA binding protein 7; plus strand). Cytogenetic location: 8q12.2.
Variant type: single nucleotide variant.
Coding change: c.309G>A on transcript NM_017780.4 (MANE Select); coding-DNA position 309, G replaced by A.
Protein change: p.Ser103=; no amino-acid change (serine 103 retained).
Molecular consequence: synonymous variant.
Genome position (GRCh38, 1-based): chr8:60,741,741, G>A. VCF-style: chr8-60741741-G-A. GRCh37 (hg19) VCF-style: chr8-61654300-G-A.
Other names: c.309G>A, p.(=) (LRG_176t1); c.309G>A, p.Ser103= (NM_001316690.1).
Identifiers: ClinVar variation 95783 (VCV000095783.37), dbSNP rs115293759, ClinGen allele CA148859.

ClinVar aggregate classification (germline): Benign/Likely benign. Review status: criteria provided, multiple submitters, no conflicts (2 of 4 stars). 14 submissions from 14 submitters: Benign (8); Likely benign (3). 3 of the submissions do not count toward it. Last evaluated 2026-08-27.

Conditions:
Inborn genetic diseases. Identifiers: MedGen C0950123, MeSH D030342.
CHD7-related disorder. Also called: CHD7-related condition.
Hypogonadotropic hypogonadism 5 with or without anosmia (KAL5). Also called: CHD7-Related GnRH Deficiency (Kallmann Syndrome 5); HYPOGONADOTROPIC HYPOGONADISM 5 WITH ANOSMIA; HYPOGONADOTROPHIC HYPOGONADISM 5 WITHOUT ANOSMIA. Identifiers: Orphanet 478, MedGen C3552553, MONDO:0012880, OMIM 612370. Disease mechanism: loss of function.
CHARGE syndrome (CHARGE). Also called: CHARGE ASSOCIATION--COLOBOMA, HEART ANOMALY, CHOANAL ATRESIA, RETARDATION, GENITAL AND EAR ANOMALIES; Hittner Hirsch Kreh syndrome; Coloboma, heart anomaly, choanal atresia, retardation, genital and ear anomalies; CHARGE association; Hall-Hittner syndrome. Identifiers: Orphanet 138, MedGen C0265354, MONDO:0008965.

Allele frequency attached by ClinVar (database versions not stated): gnomAD 0.00543 and 0.00586; gnomAD exomes 0.00131; ExAC 0.00166; ESP Exome Variant Server 0.00491; TOPMed 0.00571; 1000 Genomes Project 30x 0.00640; 1000 Genomes Project 0.00639.
gnomAD v4.1: 1,518 of 1,613,900 alleles (0.094%); highest among the groups gnomAD compares: African/African-American, 1.8%; 10 homozygotes.

Submissions (14):

PreventionGenetics, part of Exact Sciences
Classification: Benign for CHD7-related condition. Last evaluated: 2026-08-27. Review status: criteria provided, single submitter. Criteria: ACMG Guidelines, 2015. Collection method: clinical testing. Allele origin: germline.
Comment: This variant is classified as benign based on ACMG/AMP sequence variant interpretation guidelines (Richards et al. 2015 PMID: 25741868, with internal and published modifications).

Labcorp Genetics (formerly Invitae), Labcorp
Classification: Benign for CHARGE syndrome. Last evaluated: 2026-01-28. Review status: criteria provided, single submitter. Criteria: Invitae Variant Classification Sherloc (09022015). Collection method: clinical testing. Allele origin: germline.

Blueprint Genetics
Classification: Likely benign. Last evaluated: 2024-10-08. Review status: criteria provided, single submitter. Criteria: ACMG Guidelines, 2015. Collection method: clinical testing. Allele origin: germline.

Fulgent Genetics
Classification: Likely benign for CHD7-related CHARGE syndrome; Hypogonadotropic hypogonadism 5 with or without anosmia. Last evaluated: 2021-07-30. Review status: criteria provided, single submitter. Criteria: ACMG Guidelines, 2015. Collection method: clinical testing. Allele origin: unknown.

Genetic Services Laboratory, University of Chicago
Classification: Benign. Last evaluated: 2019-08-28. Review status: criteria provided, single submitter. Criteria: ACMG Guidelines, 2015. Collection method: clinical testing. Allele origin: germline. Affected: no.

Laboratory for Molecular Medicine, Mass General Brigham Personalized Medicine
Classification: Benign. Last evaluated: 2017-08-23. Review status: criteria provided, single submitter. Criteria: LMM Criteria. Collection method: clinical testing. Allele origin: germline. Observed: 1 variant allele.
Comment: p.Ser103Ser in exon 2 of CHD7: This variant is not expected to have clinical significance because it does not alter an amino acid residue, is not located within the splice consensus sequence, and has been identified in 1.89% (183/9668) of African chromosomes by the Exome Aggregation Consortium (ExAC; dbSNP rs115293759).

Ambry Genetics
Classification: Benign for Inborn genetic diseases. Last evaluated: 2016-07-01. Review status: criteria provided, single submitter. Criteria: Ambry Variant Classification Scheme 2023. Collection method: clinical testing. Allele origin: germline.

Women's Health and Genetics/Laboratory Corporation of America, LabCorp
Classification: Benign. Last evaluated: 2016-06-27. Review status: criteria provided, single submitter. Criteria: LabCorp Variant Classification Summary - May 2015. Collection method: clinical testing. Allele origin: germline.
Comment: Variant summary: The CHD7 c.309G>A (p.Ser103Ser) variant involves the alteration of a non-conserved nucleotide, resulting in a synonymous change. One in silico tool predicts a damaging outcome for this variant, but 5/5 splicing algorithms predict no significant change to normal splicing. This variant was found in 199/119626 control chromosomes (3 homozygotes) at a frequency of 0.0016635, which is approximately 1331 times the estimated maximal expected allele frequency of a pathogenic CHD7 variant (0.0000013), suggesting this variant is likely a benign polymorphism. The variant has been cited in at least one CHARGE syndrome patient in the literature without evidence of causality (Jain_Int J Pediatr Endocrinol_2011). In addition, one clinical diagnostic laboratory classified this variant as benign. Based on the synonymous nature of this variant and the high allele frequency in the general population, this variant was classified as benign.

GeneDx
Classification: Benign. Last evaluated: 2016-04-22. Review status: criteria provided, single submitter. Criteria: GeneDx Variant Classification (06012015). Collection method: clinical testing. Allele origin: germline. Affected: yes.
Comment: This variant is considered likely benign or benign based on one or more of the following criteria: it is a conservative change, it occurs at a poorly conserved position in the protein, it is predicted to be benign by multiple in silico algorithms, and/or has population frequency not consistent with disease.

Eurofins Ntd Llc (ga)
Classification: Benign. Last evaluated: 2013-09-26. Review status: criteria provided, single submitter. Criteria: EGL Classification Definitions 2015. Collection method: clinical testing. Allele origin: germline. Observed: 4 variant alleles, 4 heterozygotes.

Breakthrough Genomics
Classification: Likely benign. Review status: criteria provided, single submitter. Criteria: ACMG Guidelines, 2015. Collection method: not provided. Allele origin: germline. Inheritance: Autosomal dominant inheritance. Affected: yes.

Clinical Genetics DNA and cytogenetics Diagnostics Lab, Erasmus MC, Erasmus Medical Center
Classification: Benign. Review status: no assertion criteria provided. Collection method: clinical testing. Allele origin: germline. Affected: yes. Study: VKGL Data-share Consensus. Not counted in ClinVar's aggregate classification.

Clinical Genetics, Academic Medical Center
Classification: Benign. Review status: no assertion criteria provided. Collection method: clinical testing. Allele origin: germline. Affected: yes. Study: VKGL Data-share Consensus. Not counted in ClinVar's aggregate classification.

Joint Genome Diagnostic Labs from Nijmegen and Maastricht, Radboudumc and MUMC+
Classification: Benign. Review status: no assertion criteria provided. Collection method: clinical testing. Allele origin: germline. Affected: yes. Study: VKGL Data-share Consensus. Not counted in ClinVar's aggregate classification.

Literature cited by the submitters: PubMed 21995344 (cited by Women's Health and Genetics/Laboratory Corporation of America, LabCorp); PubMed 22461308 (cited by Women's Health and Genetics/Laboratory Corporation of America, LabCorp); PubMed 21158681 (cited by Women's Health and Genetics/Laboratory Corporation of America, LabCorp).